The following is an entry in ClinVar:

NM_003921.5(BCL10):c.28G>A (p.Glu10Lys)

Genes: BCL10 (BCL10 immune signaling adaptor; minus strand), LOC126805771 (CDK7 strongly-dependent group 2 enhancer GRCh37_chr1:85741508-85742707; plus strand). Cytogenetic location: 1p22.3.
Variant type: single nucleotide variant.
Coding change: c.28G>A on transcript NM_003921.5 (MANE Select); coding-DNA position 28, G replaced by A.
Protein change: p.Glu10Lys; replaces glutamic acid 10 with lysine.
Molecular consequence: missense variant.
Genome position (GRCh38, 1-based): chr1:85,276,325, C>T on the plus strand (G>A on the coding strand, the complement: BCL10 is on the minus strand). VCF-style: chr1-85276325-C-T. GRCh37 (hg19) VCF-style: chr1-85742008-C-T.
Other names: c.28G>A, p.Glu10Lys (NM_001320715.2); short protein forms E10K.
Identifiers: ClinVar variation 1467639 (VCV001467639.4), dbSNP rs1403156514, ClinGen allele CA340952902.

ClinVar aggregate classification (germline): Uncertain significance (1 of 4 stars; one submission).

Conditions:
Immunodeficiency 37 (IMD37). Identifiers: MedGen C4015195, MONDO:0014491, OMIM 616098.

Allele frequency attached by ClinVar (database versions not stated): gnomAD exomes below 0.00001.
gnomAD v4.1: 4 of 1,613,592 alleles (0.00025%); highest among the groups gnomAD compares: Non-Finnish European, 0.00025%; no homozygotes.

Submission:

Labcorp Genetics (formerly Invitae), Labcorp
Classification: Uncertain significance for Immunodeficiency 37. Last evaluated: 2022-08-31. Review status: criteria provided, single submitter. Criteria: Invitae Variant Classification Sherloc (09022015). Collection method: clinical testing. Allele origin: germline.
Comment: In summary, the available evidence is currently insufficient to determine the role of this variant in disease. Therefore, it has been classified as a Variant of Uncertain Significance. Algorithms developed to predict the effect of missense changes on protein structure and function are either unavailable or do not agree on the potential impact of this missense change (SIFT: "Tolerated"; PolyPhen-2: "Probably Damaging"; Align-GVGD: "Class C0"). ClinVar contains an entry for this variant (Variation ID: 1467639). This variant has not been reported in the literature in individuals affected with BCL10-related conditions. This variant is present in population databases (no rsID available, gnomAD no frequency). This sequence change replaces glutamic acid, which is acidic and polar, with lysine, which is basic and polar, at codon 10 of the BCL10 protein (p.Glu10Lys).